The following is an entry in ClinVar:

ClinVar aggregate classification (germline): Likely pathogenic (1 of 4 stars; one submission).

Conditions:
Ciliary dyskinesia, primary, 39. Also called: CILIARY DYSKINESIA, PRIMARY, 39, WITH OR WITHOUT SITUS INVERSUS. Identifiers: MedGen C4748841, MONDO:0032637, OMIM 618254.

gnomAD v4.1: 4 of 1,609,788 alleles (0.00025%); highest among the groups gnomAD compares: South Asian, 0.0044%; no homozygotes.

Submissions (2):

First Genomix Gene Laboratory, Genetic Diagnostics Department
Classification: Likely pathogenic for Ciliary dyskinesia, primary, 39. Last evaluated: 2025-06-20. Review status: criteria provided, single submitter. Criteria: ACMG Guidelines, 2015. Collection method: clinical testing. Allele origin: germline. Inheritance: Autosomal recessive inheritance. Affected: no. Observed: 1 variant allele.

Dr. Peter K. Rogan Lab, Western University
No classification provided (evidence only). Condition: Malignant tumor of urinary bladder. Review status: no classification provided. Collection method: in vitro. Allele origin: not applicable. Functional consequence: retained intron. Not counted in ClinVar's aggregate classification.

NM_198075.4(LRRC56):c.1316-2A>G

Gene: LRRC56 (leucine rich repeat containing 56; plus strand). Cytogenetic location: 11p15.5.
Variant type: single nucleotide variant.
Coding change: c.1316-2A>G on transcript NM_198075.4 (MANE Select); the canonical splice acceptor site of the intron before coding-DNA position 1316, A replaced by G.
Molecular consequence: splice acceptor variant.
Genome position (GRCh38, 1-based): chr11:553,961, A>G. VCF-style: chr11-553961-A-G. GRCh37 (hg19) VCF-style: chr11-553961-A-G.
Other names: NC_000011.9:g.553961A>G; c.1316-2A>G (NM_001441284.1, NM_001441283.1); c.1139-2A>G (NM_001441286.1, NM_001441285.1).
Identifiers: ClinVar variation 4372415 (VCV004372415.2).
Genomic context (GRCh38, chr11:553,961, plus strand): 5'-CACCGGGTGACTCCCTTCCCTGACAGCCTTTCTGACGTCCCATCACTCTGCTTGCTTTCT[A>G]GAGCCCTCCGGGACCTCGAGCCAGCACCTGGTCCCTTCACCTCCCAAGCACCCAAGGCCA-3'